The following is an entry in ClinVar:

NM_000187.4(HGD):c.457dup (p.Asp153fs)

Gene: HGD (homogentisate 1,2-dioxygenase; minus strand). Cytogenetic location: 3q13.33.
Variant type: Duplication.
Coding change: c.457dup on transcript NM_000187.4 (MANE Select); coding-DNA position 457, one base duplicated (G; older notation c.457dupG).
Protein change: p.Asp153fs; shifts the reading frame from aspartic acid 153.
Molecular consequence: frameshift variant.
Genome position (GRCh38, 1-based): chr3:120,647,889, C duplicated on the plus strand (G on the coding strand, the reverse complement: HGD is on the minus strand); the first of 4 consecutive C bases (chr3:120,647,889-120,647,892); duplicating any one gives the same sequence. VCF-style (leftmost placement, unchanged base first): chr3-120647888-T-TC. GRCh37 (hg19) VCF-style: chr3-120366735-T-TC.
Other names: c.457dupG (NM_000187.4); short protein forms D153fs.
Identifiers: ClinVar variation 3169 (VCV000003169.17), dbSNP rs397515346, ClinGen allele CA340045.
Genomic context (GRCh38, chr3:120,647,888, plus strand): 5'-GGTTAGGGGTCAATTAACAGTGAGGGGGTCTGAAGTCTTCAGAACTCACCAATCAAGAAG[T>TC]CCCCATCTGAATTGTAAAAGCATCTGAAACATATAGAGTAATTCTTGTGATTTTCAGTTT-3'

ClinVar aggregate classification (germline): Pathogenic. Review status: criteria provided, multiple submitters, no conflicts (2 of 4 stars). 6 submissions from 6 submitters: Pathogenic (2). 4 of the submissions do not count toward it. Last evaluated 2025-06-23.

Conditions:
Alkaptonuria (AKU). Also called: Alkaptonuric ochronosis; HOMOGENTISIC ACID OXIDASE DEFICIENCY; Alcaptonuria; Homogentisic acidura. Identifiers: Orphanet 56, MedGen C0002066, MONDO:0008753, OMIM 203500.

Submissions (6):

Labcorp Genetics (formerly Invitae), Labcorp
Classification: Pathogenic for Alkaptonuria. Last evaluated: 2025-06-23. Review status: criteria provided, single submitter. Criteria: Invitae Variant Classification Sherloc (09022015). Collection method: clinical testing. Allele origin: germline.
Comment: This sequence change creates a premature translational stop signal (p.Asp153Glyfs*26) in the HGD gene. It is expected to result in an absent or disrupted protein product. Loss-of-function variants in HGD are known to be pathogenic (PMID: 12501223, 19862842). This variant is present in population databases (rs397515346, gnomAD 0.009%). This premature translational stop signal has been observed in individual(s) with alkaptonuria (PMID: 9154114, 19862842). It has also been observed to segregate with disease in related individuals. ClinVar contains an entry for this variant (Variation ID: 3169). For these reasons, this variant has been classified as Pathogenic.

Fulgent Genetics
Classification: Pathogenic for Alkaptonuria. Last evaluated: 2024-03-15. Review status: criteria provided, single submitter. Criteria: ACMG Guidelines, 2015. Collection method: clinical testing. Allele origin: germline.

Counsyl
Classification: Pathogenic for Alkaptonuria. Last evaluated: 2015-12-17. Review status: no assertion criteria provided. Collection method: clinical testing. Allele origin: unknown. Not counted in ClinVar's aggregate classification.

OMIM
Classification: Pathogenic for ALKAPTONURIA. Last evaluated: 1997-01-01. Review status: no assertion criteria provided. Collection method: literature only. Allele origin: germline. Not counted in ClinVar's aggregate classification.

Department Of Human Genetics, Institute Of Clinical And Translational Research, Biomedical Research Center, Slovak Academy Of Sciences
Classification: Pathogenic for Alkaptonuria. Review status: no assertion criteria provided. Collection method: research. Allele origin: germline. Inheritance: Autosomal recessive inheritance. Affected: yes. Observed: 42 variant alleles. Not counted in ClinVar's aggregate classification.
Comment: The variant was originally described in AKU patient in PMID:9154114. It has been submitted to the HGD gene mutation database (DB-ID: AKU_00042).

GeneReviews
No classification provided. Condition: Alkaptonuria. Review status: no classification provided. Collection method: literature only. Allele origin: germline. Not counted in ClinVar's aggregate classification.
Comment: 1 of 4 founder variants in the Slovak population

Literature cited by the submitters: PubMed 12501223 (cited by Labcorp Genetics (formerly Invitae), Labcorp); PubMed 19862842 (cited by Labcorp Genetics (formerly Invitae), Labcorp); PubMed 9154114 (cited by 4 submitters); PubMed 20301627 (cited by GeneReviews).